The following is an entry in ClinVar:

NM_000350.3(ABCA4):c.4840A>T (p.Asn1614Tyr)

Genes: ABCA4 (ATP binding cassette subfamily A member 4; minus strand), LOC126805793 (CDK7 strongly-dependent group 2 enhancer GRCh37_chr1:94486302-94487501; plus strand). Cytogenetic location: 1p22.1.
Variant type: single nucleotide variant.
Coding change: c.4840A>T on transcript NM_000350.3 (MANE Select); coding-DNA position 4840, A replaced by T.
Protein change: p.Asn1614Tyr; replaces asparagine 1614 with tyrosine.
Molecular consequence: missense variant.
Genome position (GRCh38, 1-based): chr1:94,021,648, T>A on the plus strand (A>T on the coding strand, the complement: ABCA4 is on the minus strand). VCF-style: chr1-94021648-T-A. GRCh37 (hg19) VCF-style: chr1-94487204-T-A.
Other names: c.4618A>T, p.Asn1540Tyr (NM_001425324.1); short protein forms N1540Y, N1614Y.
Identifiers: ClinVar variation 4854568 (VCV004854568.2).

ClinVar aggregate classification (germline): Uncertain significance. Review status: criteria provided, multiple submitters, no conflicts (2 of 4 stars). 2 submissions from 2 submitters: Uncertain significance (2). Last evaluated 2025-11-10.

Conditions:
ABCA4-related disorder. Also called: ABCA4-related condition; ABCA4-related disorders. Identifiers: MedGen CN239167.

Submissions (2):

3billion
Classification: Uncertain significance for ABCA4-related disorder. Last evaluated: 2025-11-10. Review status: criteria provided, single submitter. Criteria: ACMG Guidelines, 2015. Collection method: clinical testing. Allele origin: germline. Affected: yes.
Comment: The variant is not observed in the gnomAD v4.1.0 dataset. Predicted Consequence/Location: Missense variant In silico tool predictions suggest damaging effect of the variant on gene or gene product [REVEL: 0.76 (>=0.6, sensitivity 0.68 and specificity 0.92); 3Cnet: 0.94 (> 0.75, sensitivity 0.96 and precision 0.92)]. Different missense changes at the same codon have been reported as of uncertain significance (ClinVar ID: VCV000635986). Therefore, this variant is classified as VUS according to the recommendation of ACMG/AMP guideline.

Blueprint Genetics
Classification: Uncertain significance. Last evaluated: 2021-12-29. Review status: criteria provided, single submitter. Criteria: ACMG Guidelines, 2015. Collection method: clinical testing. Allele origin: germline.